The following is an entry in ClinVar:

ClinVar aggregate classification (germline): Uncertain significance (1 of 4 stars; one submission).

Conditions:
Primary ciliary dyskinesia 27. Also called: CILIARY DYSKINESIA, PRIMARY, 27, WITHOUT SITUS INVERSUS. Identifiers: Orphanet 244, MedGen C3809701, MONDO:0014215, OMIM 615504.

Allele frequency attached by ClinVar (database versions not stated): gnomAD 0.00001; TOPMed 0.00001; gnomAD exomes 0.00002; ExAC 0.00004; ESP Exome Variant Server 0.00008.
gnomAD v4.1: 24 of 1,613,586 alleles (0.0015%); highest among the groups gnomAD compares: East Asian, 0.0089%; no homozygotes.

Submission:

Labcorp Genetics (formerly Invitae), Labcorp
Classification: Uncertain significance for Primary ciliary dyskinesia 27. Last evaluated: 2022-10-17. Review status: criteria provided, single submitter. Criteria: Invitae Variant Classification Sherloc (09022015). Collection method: clinical testing. Allele origin: germline.
Comment: In summary, the available evidence is currently insufficient to determine the role of this variant in disease. Therefore, it has been classified as a Variant of Uncertain Significance. Variants that disrupt the consensus splice site are a relatively common cause of aberrant splicing (PMID: 17576681, 9536098). Algorithms developed to predict the effect of sequence changes on RNA splicing suggest that this variant may disrupt the consensus splice site. ClinVar contains an entry for this variant (Variation ID: 858318). This variant has not been reported in the literature in individuals affected with CCDC65-related conditions. This variant is present in population databases (rs370107530, gnomAD 0.007%). This sequence change falls in intron 4 of the CCDC65 gene. It does not directly change the encoded amino acid sequence of the CCDC65 protein. It affects a nucleotide within the consensus splice site.

Literature cited by the submitters: PubMed 17576681; PubMed 9536098.

NM_033124.5(CCDC65):c.609+5G>A

Gene: CCDC65 (coiled-coil domain containing 65; plus strand). Cytogenetic location: 12q13.12.
Variant type: single nucleotide variant.
Coding change: c.609+5G>A on transcript NM_033124.5 (MANE Select); 5 bases into the intron after coding-DNA position 609, G replaced by A.
Molecular consequence: intron variant.
Genome position (GRCh38, 1-based): chr12:48,917,113, G>A. VCF-style: chr12-48917113-G-A. GRCh37 (hg19) VCF-style: chr12-49310896-G-A.
Other names: c.180+5G>A (NM_001286957.2).
Identifiers: ClinVar variation 858318 (VCV000858318.5), dbSNP rs370107530, ClinGen allele CA6543281.